The following is an entry in ClinVar:

NM_004646.4(NPHS1):c.2618_2620delinsCC (p.Phe873fs)

Gene: NPHS1 (NPHS1 adhesion molecule, nephrin; minus strand). Cytogenetic location: 19q13.12.
Variant type: Indel.
Coding change: c.2618_2620delinsCC on transcript NM_004646.4 (MANE Select); coding-DNA positions 2618 to 2620, TCA replaced by CC.
Protein change: p.Phe873fs; shifts the reading frame from phenylalanine 873.
Molecular consequence: frameshift variant.
Genome position (GRCh38, 1-based): chr19:35,842,167-35,842,169, TGA replaced by GG on the plus strand (TCA replaced by CC on the coding strand, the reverse complement: NPHS1 is on the minus strand). VCF-style: chr19-35842167-TGA-GG. GRCh37 (hg19) VCF-style: chr19-36333069-TGA-GG.
Other names: c.2618_2620delTCAinsCC (NM_004646.3); c.2618_2620delinsCC (NM_004646.3); short protein forms F873fs.
Identifiers: ClinVar variation 56483 (VCV000056483.2), dbSNP rs386833922, ClinGen allele CA250203.

ClinVar aggregate classification (germline): Likely pathogenic (0 of 4 stars; one submission).

Conditions:
Finnish congenital nephrotic syndrome (NPHS1). Also called: NEPHROTIC SYNDROME, TYPE 1. Identifiers: Orphanet 839, MedGen C0403399, MONDO:0009732, OMIM 256300.

Submission:

Juha Muilu Group; Institute for Molecular Medicine Finland (FIMM)
Classification: Likely pathogenic for Finnish congenital nephrotic syndrome. Review status: no assertion criteria provided. Collection method: not provided. Allele origin: unknown.
Comment: FinDis database variant: This variant was not found or characterized by our laboratory, data were collected from public sources: see reference
ClinVar note: Converted during submission from probable-pathogenic to Likely pathogenic.